The following is an entry in ClinVar:

NM_001127198.5(TMC6):c.2199-5C>T

Gene: TMC6 (transmembrane channel like 6; minus strand). Cytogenetic location: 17q25.3.
Variant type: single nucleotide variant.
Coding change: c.2199-5C>T on transcript NM_001127198.5 (MANE Select); 5 bases into the intron before coding-DNA position 2199, C replaced by T.
Molecular consequence: intron variant.
Genome position (GRCh38, 1-based): chr17:78,117,352, G>A on the plus strand (C>T on the coding strand, the complement: TMC6 is on the minus strand). VCF-style: chr17-78117352-G-A. GRCh37 (hg19) VCF-style: chr17-76113433-G-A.
Other names: c.2019-5C>T (NM_001374594.1, NM_001374593.1); c.2199-5C>T (NM_001374596.1, NM_007267.7, NM_001321185.1 and 2 more transcripts).
Identifiers: ClinVar variation 1541510 (VCV001541510.10), dbSNP rs370571978, ClinGen allele CA8795378.

ClinVar aggregate classification (germline): Likely benign. Review status: criteria provided, single submitter (1 of 4 stars). 2 submissions from 2 submitters: Likely benign (1). 1 of the submissions does not count toward it. Last evaluated 2025-06-18.

Conditions:
TMC6-related disorder. Also called: TMC6-related condition.
Epidermodysplasia verruciformis. Identifiers: Orphanet 302, MedGen C0014522, MONDO:0009176.

Allele frequency attached by ClinVar (database versions not stated): ExAC 0.00005; ESP Exome Variant Server 0.00015; 1000 Genomes Project 30x 0.00016.
gnomAD v4.1: 166 of 1,613,272 alleles (0.01%); highest among the groups gnomAD compares: African/African-American, 0.013%; no homozygotes.

Submissions (2):

Labcorp Genetics (formerly Invitae), Labcorp
Classification: Likely benign for Epidermodysplasia verruciformis. Last evaluated: 2025-06-18. Review status: criteria provided, single submitter. Criteria: Invitae Variant Classification Sherloc (09022015). Collection method: clinical testing. Allele origin: germline.

PreventionGenetics, part of Exact Sciences
Classification: Likely benign for TMC6-related condition. Last evaluated: 2023-05-22. Review status: no assertion criteria provided. Collection method: clinical testing. Allele origin: germline. Not counted in ClinVar's aggregate classification.
Comment: This variant is classified as likely benign based on ACMG/AMP sequence variant interpretation guidelines (Richards et al. 2015 PMID: 25741868, with internal and published modifications).